The following is an entry in ClinVar:

NM_080425.4(GNAS):c.455del (p.Gly152fs)

Gene: GNAS (GNAS complex locus; plus strand). Cytogenetic location: 20q13.32.
Variant type: Deletion.
Coding change: c.455del on transcript NM_080425.4 (MANE Plus Clinical); coding-DNA position 455, one base deleted (G; older notation c.455delG).
Protein change: p.Gly152fs; shifts the reading frame from glycine 152.
Molecular consequence: frameshift variant. On other transcripts: intron variant (3).
Genome position (GRCh38, 1-based): chr20:58,853,720, G deleted; the last of 3 consecutive G bases (chr20:58,853,718-58,853,720); deleting any one gives the same sequence. VCF-style (leftmost placement, unchanged base first): chr20-58853717-TG-T. GRCh37 (hg19) VCF-style: chr20-57428772-TG-T.
Other names: c.268del, p.Glu90fs (NM_001077490.3, NM_001309883.1); c.455del, p.Gly152fs (NM_001410913.1); c.*42+12834del (NM_016592.5); c.43+12834del (NM_001410912.1); c.-39+11845del (NM_001309861.2); short protein forms E90fs, G152fs.
Identifiers: ClinVar variation 3360107 (VCV003360107.1).

ClinVar aggregate classification (germline): Uncertain significance (1 of 4 stars; one submission).

Submission:

GeneDx
Classification: Uncertain significance. Last evaluated: 2023-06-27. Review status: criteria provided, single submitter. Criteria: GeneDx Variant Classification Process June 2021. Collection method: clinical testing. Allele origin: germline. Affected: yes.
Comment: Reported using an alternate transcript of the gene; Not observed at significant frequency in large population cohorts (gnomAD); Frameshift variant predicted to result in protein truncation or nonsense mediated decay occurring in an alternative transcript for which loss-of-function variants have not been previously reported as pathogenic; Has not been previously published as pathogenic or benign to our knowledge